The following is an entry in ClinVar:

ClinVar aggregate classification (germline): Pathogenic (1 of 4 stars; one submission).

Conditions:
Gorlin syndrome. Also called: Nevoid Basal Cell Carcinoma Syndrome; Basal cell nevus syndrome. Identifiers: Orphanet 377, MedGen C0004779, MONDO:0007187.

Submission:

Labcorp Genetics (formerly Invitae), Labcorp
Classification: Pathogenic for Gorlin syndrome. Last evaluated: 2023-11-28. Review status: criteria provided, single submitter. Criteria: Invitae Variant Classification Sherloc (09022015). Collection method: clinical testing. Allele origin: germline.
Comment: This sequence change creates a premature translational stop signal (p.Ser435Leufs*3) in the PTCH1 gene. It is expected to result in an absent or disrupted protein product. Loss-of-function variants in PTCH1 are known to be pathogenic (PMID: 16301862, 16419085). This variant is not present in population databases (gnomAD no frequency). This variant has not been reported in the literature in individuals affected with PTCH1-related conditions. For these reasons, this variant has been classified as Pathogenic.

Literature cited by the submitters: PubMed 16301862; PubMed 16419085.

NM_000264.5(PTCH1):c.1299_1302dup (p.Ser435fs)

Gene: PTCH1 (patched 1; minus strand). Cytogenetic location: 9q22.32.
Variant type: Duplication.
Coding change: c.1299_1302dup on transcript NM_000264.5 (MANE Select); coding-DNA positions 1299 to 1302, 4 bases duplicated (CTTC; older notation c.1299_1302dupCTTC).
Protein change: p.Ser435fs; shifts the reading frame from serine 435.
Molecular consequence: frameshift variant. On other transcripts: non-coding transcript variant (1).
Genome position (GRCh38, 1-based): chr9:95,478,100-95,478,103, GAAG duplicated on the plus strand (CTTC on the coding strand, the reverse complement: PTCH1 is on the minus strand); duplicating any 4 consecutive bases within chr9:95,478,100-95,478,105 gives the same sequence; the c. name uses the placement nearest the transcript's 3' end. VCF-style (leftmost placement, unchanged base first): chr9-95478099-A-AGAAG. GRCh37 (hg19) VCF-style: chr9-98240381-A-AGAAG.
Other names: c.1101_1104dup, p.Ser369fs (NM_001083602.3); c.1296_1299dup, p.Ser434fs (NM_001083603.3); c.846_849dup, p.Ser284fs (NM_001083604.3, NM_001083605.3, NM_001083606.3 and 1 more transcripts); c.1299_1302dup, p.Ser435fs (NM_001354918.2); short protein forms S369fs, S434fs, S284fs, S435fs.
Identifiers: ClinVar variation 2772171 (VCV002772171.3), dbSNP rs2538210306, ClinGen allele CA2697557861.